The following is an entry in ClinVar:

NM_006567.5(FARS2):c.1066-3T>G

Gene: FARS2 (phenylalanyl-tRNA synthetase 2, mitochondrial; plus strand). Cytogenetic location: 6p25.1.
Variant type: single nucleotide variant.
Coding change: c.1066-3T>G on transcript NM_006567.5 (MANE Select); 3 bases into the intron before coding-DNA position 1066, T replaced by G.
Molecular consequence: intron variant.
Genome position (GRCh38, 1-based): chr6:5,613,166, T>G. VCF-style: chr6-5613166-T-G. GRCh37 (hg19) VCF-style: chr6-5613399-T-G.
Other names: c.1066-3T>G (NM_001374878.1, NM_001318872.2, NM_001374877.1 and 4 more transcripts); c.934-3T>G (NM_001375258.1); c.370-3T>G (NM_001375260.1, NM_001375259.1).
Identifiers: ClinVar variation 4733708 (VCV004733708.1).

ClinVar aggregate classification (germline): Uncertain significance (1 of 4 stars; one submission).

Conditions:
Combined oxidative phosphorylation defect type 14. Also called: Combined oxidative phosphorylation deficiency 14. Identifiers: Orphanet 319519, MedGen C4755312, MONDO:0013986, OMIM 614946.

Submission:

Labcorp Genetics (formerly Invitae), Labcorp
Classification: Uncertain significance for Combined oxidative phosphorylation defect type 14. Last evaluated: 2025-12-26. Review status: criteria provided, single submitter. Criteria: Invitae Variant Classification Sherloc (09022015). Collection method: clinical testing. Allele origin: germline.
Comment: This sequence change falls in intron 5 of the FARS2 gene. It does not directly change the encoded amino acid sequence of the FARS2 protein. It affects a nucleotide within the consensus splice site. This variant is not present in population databases (gnomAD no frequency). This variant has not been reported in the literature in individuals affected with FARS2-related conditions. Variants that disrupt the consensus splice site are a relatively common cause of aberrant splicing (PMID: 17576681, 9536098). Algorithms developed to predict the effect of sequence changes on RNA splicing suggest that this variant may disrupt the consensus splice site. In summary, the available evidence is currently insufficient to determine the role of this variant in disease. Therefore, it has been classified as a Variant of Uncertain Significance.

Literature cited by the submitters: PubMed 17576681; PubMed 9536098.